The following is an entry in ClinVar:

NM_004415.4(DSP):c.2941A>G (p.Lys981Glu)

Gene: DSP (desmoplakin; plus strand). Cytogenetic location: 6p24.3.
Variant type: single nucleotide variant.
Coding change: c.2941A>G on transcript NM_004415.4 (MANE Select); coding-DNA position 2941, A replaced by G.
Protein change: p.Lys981Glu; replaces lysine 981 with glutamic acid.
Molecular consequence: missense variant.
Genome position (GRCh38, 1-based): chr6:7,577,842, A>G. VCF-style: chr6-7577842-A-G. GRCh37 (hg19) VCF-style: chr6-7578075-A-G.
Other names: c.2941A>G (LRG_423t1); c.2941A>G, p.Lys981Glu (NM_001008844.3, NM_001319034.2); short protein forms K981E.
Identifiers: ClinVar variation 534315 (VCV000534315.20), dbSNP rs747580402, ClinGen allele CA036196.

ClinVar aggregate classification (germline): Conflicting classifications of pathogenicity. Review status: criteria provided, conflicting classifications (1 of 4 stars). 4 submissions from 4 submitters: Uncertain significance (3); Benign (1). Last evaluated 2026-01-25.

Conditions:
Arrhythmogenic cardiomyopathy with wooly hair and keratoderma. Also called: PALMOPLANTAR KERATODERMA WITH LEFT VENTRICULAR CARDIOMYOPATHY AND WOOLLY HAIR; Carvajal syndrome; Dilated cardiomyopathy with woolly hair and keratoderma; Arrhythmogenic cardiomyopathy with woolly hair and keratoderma. Identifiers: Orphanet 65282, MedGen C1854063, MONDO:0011581, OMIM 605676.
Arrhythmogenic right ventricular dysplasia 8 (ARVD8). Also called: Arrhythmogenic Right Ventricular Dysplasia/Cardiomyopathy 8; ARRHYTHMOGENIC RIGHT VENTRICULAR DYSPLASIA, FAMILIAL, 8; ARRHYTHMOGENIC RIGHT VENTRICULAR CARDIOMYOPATHY 8. Identifiers: MedGen C1843896, MONDO:0011831, OMIM 607450.
Cardiovascular phenotype. Identifiers: MedGen CN230736.
Woolly hair-skin fragility syndrome (WHSF). Identifiers: Orphanet 293165, MedGen C1843292, MONDO:0957307, OMIM 620415.
Cardiomyopathy, dilated, with wooly hair, keratoderma, and tooth agenesis. Also called: Cardiomyopathy, dilated, with woolly hair, keratoderma, and tooth agenesis; Erythrokeratodermia-cardiomyopathy syndrome. Identifiers: Orphanet 476096, Orphanet 65282, MedGen C4014393, MONDO:0014355, OMIM 615821.
Lethal acantholytic epidermolysis bullosa (EBLA). Identifiers: Orphanet 158687, MedGen C1864826, MONDO:0012323, OMIM 609638.
Keratosis palmoplantaris striata 2. Also called: Keratosis palmoplantaris striata II; KERATODERMA, PALMOPLANTAR, STRIATE FORM II; STRIATE PALMOPLANTAR KERATODERMA II. Identifiers: MedGen C1852127, MONDO:0013034, OMIM 612908.
Cardiomyopathy (CMYO). Also called: Cardiomyopathies. Identifiers: Orphanet 167848, MedGen C0878544, MONDO:0004994, HP:0001638. Inheritance: Various modes of inheritance.

Allele frequency attached by ClinVar (database versions not stated): gnomAD exomes below 0.00001 and 0.00002; ExAC 0.00002; TOPMed 0.00005; gnomAD 0.00006 and 0.00007.
gnomAD v4.1: 17 of 1,614,030 alleles (0.0011%); highest among the groups gnomAD compares: African/African-American, 0.02%; no homozygotes.

Submissions (4):

Labcorp Genetics (formerly Invitae), Labcorp
Classification: Benign for Arrhythmogenic cardiomyopathy with wooly hair and keratoderma; Arrhythmogenic right ventricular dysplasia 8. Last evaluated: 2026-01-25. Review status: criteria provided, single submitter. Criteria: Invitae Variant Classification Sherloc (09022015). Collection method: clinical testing. Allele origin: germline.

Ambry Genetics
Classification: Uncertain significance for Cardiovascular phenotype. Last evaluated: 2025-06-18. Review status: criteria provided, single submitter. Criteria: Ambry Variant Classification Scheme 2023. Collection method: clinical testing. Allele origin: germline.

Color Diagnostics, LLC DBA Color Health
Classification: Uncertain significance for Cardiomyopathy. Last evaluated: 2024-03-06. Review status: criteria provided, single submitter. Criteria: ACMG Guidelines, 2015. Collection method: clinical testing. Allele origin: germline.
Comment: This missense variant replaces lysine with glutamic acid at codon 981 of the DSP protein. Computational prediction is inconclusive regarding the impact of this variant on protein structure and function (internally defined REVEL score threshold 0.5 < inconclusive < 0.7, PMID: 27666373). To our knowledge, functional studies have not been reported for this variant. This variant has not been reported in individuals affected with cardiovascular disorders in the literature. This variant has been identified in 6/282854 chromosomes in the general population by the Genome Aggregation Database (gnomAD). The available evidence is insufficient to determine the role of this variant in disease conclusively. Therefore, this variant is classified as a Variant of Uncertain Significance.

Fulgent Genetics
Classification: Uncertain significance for Arrhythmogenic cardiomyopathy with wooly hair and keratoderma; Arrhythmogenic right ventricular dysplasia 8; Lethal acantholytic epidermolysis bullosa; Keratosis palmoplantaris striata 2; Cardiomyopathy, dilated, with wooly hair, keratoderma, and tooth agenesis. Last evaluated: 2021-08-31. Review status: criteria provided, single submitter. Criteria: ACMG Guidelines, 2015. Collection method: clinical testing. Allele origin: unknown.